The following is an entry in ClinVar:

ClinVar aggregate classification (germline): Uncertain significance (1 of 4 stars; one submission).

Conditions:
Developmental and epileptic encephalopathy. Identifiers: MedGen C5779964, MONDO:0100620.

Submission:

Labcorp Genetics (formerly Invitae), Labcorp
Classification: Uncertain significance for Early-infantile DEE. Last evaluated: 2024-05-21. Review status: criteria provided, single submitter. Criteria: Invitae Variant Classification Sherloc (09022015). Collection method: clinical testing. Allele origin: germline.
Comment: This sequence change replaces glycine, which is neutral and non-polar, with serine, which is neutral and polar, at codon 602 of the CACNA2D2 protein (p.Gly602Ser). This variant is not present in population databases (gnomAD no frequency). This variant has not been reported in the literature in individuals affected with CACNA2D2-related conditions. An algorithm developed to predict the effect of missense changes on protein structure and function (PolyPhen-2) suggests that this variant is likely to be disruptive. In summary, the available evidence is currently insufficient to determine the role of this variant in disease. Therefore, it has been classified as a Variant of Uncertain Significance.

NM_006030.4(CACNA2D2):c.1804G>A (p.Gly602Ser)

Gene: CACNA2D2 (calcium voltage-gated channel auxiliary subunit alpha2delta 2; minus strand). Cytogenetic location: 3p21.31.
Variant type: single nucleotide variant.
Coding change: c.1804G>A on transcript NM_006030.4 (MANE Select); coding-DNA position 1804, G replaced by A.
Protein change: p.Gly602Ser; replaces glycine 602 with serine.
Molecular consequence: missense variant.
Genome position (GRCh38, 1-based): chr3:50,375,850, C>T on the plus strand (G>A on the coding strand, the complement: CACNA2D2 is on the minus strand). VCF-style: chr3-50375850-C-T. GRCh37 (hg19) VCF-style: chr3-50413281-C-T.
Other names: c.1804G>A, p.Gly602Ser (NM_001005505.3, NM_001174051.3, NM_001410768.1); c.1597G>A, p.Gly533Ser (NM_001291101.1); short protein forms G602S, G533S.
Identifiers: ClinVar variation 2693944 (VCV002693944.2), dbSNP rs2471017313, ClinGen allele CA352924324.